The following is an entry in ClinVar:

NM_153240.5(NPHP3):c.1526A>G (p.Tyr509Cys)

Genes: NPHP3 (nephrocystin 3; minus strand), NPHP3-ACAD11 (NPHP3-ACAD11 readthrough (NMD candidate); minus strand). Cytogenetic location: 3q22.1.
Variant type: single nucleotide variant.
Coding change: c.1526A>G on transcript NM_153240.5 (MANE Select); coding-DNA position 1526, A replaced by G.
Protein change: p.Tyr509Cys; replaces tyrosine 509 with cysteine.
Molecular consequence: missense variant. On other transcripts: non-coding transcript variant (1).
Genome position (GRCh38, 1-based): chr3:132,701,532, T>C on the plus strand (A>G on the coding strand, the complement: NPHP3 is on the minus strand). VCF-style: chr3-132701532-T-C. GRCh37 (hg19) VCF-style: chr3-132420376-T-C.
Other names: short protein forms Y509C.
Identifiers: ClinVar variation 2000680 (VCV002000680.4), dbSNP rs2530438496, ClinGen allele CA354583635.

ClinVar aggregate classification (germline): Uncertain significance (1 of 4 stars; one submission).

Conditions:
Nephronophthisis. Also called: Juvenile Nephronophthisis. Identifiers: Orphanet 655, MedGen C0687120, MONDO:0019005, HP:0000090.

Allele frequency attached by ClinVar (database versions not stated): gnomAD exomes below 0.00001.

Submission:

Labcorp Genetics (formerly Invitae), Labcorp
Classification: Uncertain significance for Nephronophthisis. Last evaluated: 2022-06-02. Review status: criteria provided, single submitter. Criteria: Invitae Variant Classification Sherloc (09022015). Collection method: clinical testing. Allele origin: germline.
Comment: This sequence change replaces tyrosine, which is neutral and polar, with cysteine, which is neutral and slightly polar, at codon 509 of the NPHP3 protein (p.Tyr509Cys). This variant is not present in population databases (gnomAD no frequency). This variant has not been reported in the literature in individuals affected with NPHP3-related conditions. Algorithms developed to predict the effect of missense changes on protein structure and function are either unavailable or do not agree on the potential impact of this missense change (SIFT: "Deleterious"; PolyPhen-2: "Possibly Damaging"; Align-GVGD: "Class C0"). In summary, the available evidence is currently insufficient to determine the role of this variant in disease. Therefore, it has been classified as a Variant of Uncertain Significance.